The following is an entry in ClinVar:

ClinVar aggregate classification (germline): Uncertain significance (1 of 4 stars; one submission).

Conditions:
Inborn genetic diseases. Identifiers: MedGen C0950123, MeSH D030342.

Submission:

Ambry Genetics
Classification: Uncertain significance for Inborn genetic diseases. Last evaluated: 2022-05-11. Review status: criteria provided, single submitter. Criteria: Ambry Variant Classification Scheme 2023. Collection method: clinical testing. Allele origin: germline.
Comment: The p.D1064G variant (also known as c.3191A>G), located in coding exon 24 of the LRRK2 gene, results from an A to G substitution at nucleotide position 3191. The aspartic acid at codon 1064 is replaced by glycine, an amino acid with similar properties. This amino acid position is conserved. In addition, the in silico prediction for this alteration is inconclusive. Since supporting evidence is limited at this time, the clinical significance of this alteration remains unclear.

NM_198578.4(LRRK2):c.3191A>G (p.Asp1064Gly)

Gene: LRRK2 (leucine rich repeat kinase 2; plus strand). Cytogenetic location: 12q12.
Variant type: single nucleotide variant.
Coding change: c.3191A>G on transcript NM_198578.4 (MANE Select); coding-DNA position 3191, A replaced by G.
Protein change: p.Asp1064Gly; replaces aspartic acid 1064 with glycine.
Molecular consequence: missense variant.
Genome position (GRCh38, 1-based): chr12:40,298,337, A>G. VCF-style: chr12-40298337-A-G. GRCh37 (hg19) VCF-style: chr12-40692139-A-G.
Other names: short protein forms D1064G.
Identifiers: ClinVar variation 1728673 (VCV001728673.2), dbSNP rs2499745634, ClinGen allele CA384414464.